The following is an entry in ClinVar:

NM_001377.3(DYNC2H1):c.9823C>T (p.Arg3275Ter)

Gene: DYNC2H1 (dynein cytoplasmic 2 heavy chain 1; plus strand). Cytogenetic location: 11q22.3.
Variant type: single nucleotide variant.
Coding change: c.9823C>T on transcript NM_001377.3 (MANE Select); coding-DNA position 9823, C replaced by T.
Protein change: p.Arg3275Ter; replaces arginine 3275 with a stop codon.
Molecular consequence: nonsense.
Genome position (GRCh38, 1-based): chr11:103,243,696, C>T. VCF-style: chr11-103243696-C-T. GRCh37 (hg19) VCF-style: chr11-103114425-C-T.
Other names: c.9844C>T, p.Arg3282Ter (NM_001080463.2); short protein forms R3275*, R3282*.
Identifiers: ClinVar variation 1453557 (VCV001453557.7), dbSNP rs2135225617, ClinGen allele CA382245177.
Genomic context (GRCh38, chr11:103,243,696, plus strand): 5'-TTTAAATGAAAGCTTATAATCATTAAAAAACATTACTTTTCCTTTTTTTTATACTAGAGT[C>T]GAGTGTGCCCATTTCTTATAGATCCTTCTTCCCAAGCTACAGAGTGGTTAAAAACACATT-3'

ClinVar aggregate classification (germline): Pathogenic. Review status: criteria provided, multiple submitters, no conflicts (2 of 4 stars). 2 submissions from 2 submitters: Pathogenic (2). Last evaluated 2024-05-08.

Conditions:
Asphyxiating thoracic dystrophy 3. Also called: POLYDACTYLY WITH NEONATAL CHONDRODYSTROPHY, TYPE I; SHORT-RIB THORACIC DYSPLASIA 3 WITH OR WITHOUT POLYDACTYLY; SHORT-RIB THORACIC DYSPLASIA 3/6 WITH POLYDACTYLY, DIGENIC; Short rib polydactyly syndrome 2B; Saldino-Noonan Syndrome. Identifiers: Orphanet 474, Orphanet 93269, Orphanet 93270, Orphanet 93271, MedGen C0036069, MONDO:0013127, OMIM 613091.
Jeune thoracic dystrophy. Also called: Short-rib thoracic dysplasia; Jeune syndrome; Infantile thoracic dystrophy; Thoracic pelvic phalangeal dystrophy; Jeune's syndrome; Chondroectodermal dysplasia-like syndrome. Identifiers: Orphanet 474, MedGen C0265275, MONDO:0018770.

Submissions (2):

Myriad Genetics, Inc.
Classification: Pathogenic for Asphyxiating thoracic dystrophy 3. Last evaluated: 2024-05-08. Review status: criteria provided, single submitter. Criteria: Myriad Autosomal Dominant, Autosomal Recessive and X-Linked Classification Criteria (2023). Collection method: clinical testing. Allele origin: unknown.
Comment: NM_001377.2(DYNC2H1):c.9823C>T(R3275*) is expected to be pathogenic in the context of DYNC2H1-related disorders. This variant is predicted to lead to an abnormal or absent protein product due to the creation of a premature termination codon in DYNC2H1, a gene where loss-of-function variants are known to be pathogenic. Please note: this variant was assessed in the context of healthy population screening.

Labcorp Genetics (formerly Invitae), Labcorp
Classification: Pathogenic for Jeune thoracic dystrophy. Last evaluated: 2023-03-04. Review status: criteria provided, single submitter. Criteria: Invitae Variant Classification Sherloc (09022015). Collection method: clinical testing. Allele origin: germline.
Comment: ClinVar contains an entry for this variant (Variation ID: 1453557). For these reasons, this variant has been classified as Pathogenic. Algorithms developed to predict the effect of sequence changes on RNA splicing suggest that this variant may disrupt the consensus splice site. This premature translational stop signal has been observed in individual(s) with DYNC2H1-related conditions (PMID: 34529350). This variant is not present in population databases (gnomAD no frequency). This sequence change creates a premature translational stop signal (p.Arg3282*) in the DYNC2H1 gene. It is expected to result in an absent or disrupted protein product. Loss-of-function variants in DYNC2H1 are known to be pathogenic (PMID: 23339108, 32753734).

Literature cited by the submitters: PubMed 34529350 (cited by Labcorp Genetics (formerly Invitae), Labcorp); PubMed 23339108 (cited by Labcorp Genetics (formerly Invitae), Labcorp); PubMed 32753734 (cited by Labcorp Genetics (formerly Invitae), Labcorp).